The following is an entry in ClinVar:

NM_000297.4(PKD2):c.779C>A (p.Thr260Asn)

Gene: PKD2 (polycystin 2, transient receptor potential cation channel; plus strand). Cytogenetic location: 4q22.1.
Variant type: single nucleotide variant.
Coding change: c.779C>A on transcript NM_000297.4 (MANE Select); coding-DNA position 779, C replaced by A.
Protein change: p.Thr260Asn; replaces threonine 260 with asparagine.
Molecular consequence: missense variant. On other transcripts: non-coding transcript variant (1).
Genome position (GRCh38, 1-based): chr4:88,036,289, C>A. VCF-style: chr4-88036289-C-A. GRCh37 (hg19) VCF-style: chr4-88957441-C-A.
Other names: short protein forms T260N.
Identifiers: ClinVar variation 2579499 (VCV002579499.2), dbSNP rs756254812, ClinGen allele CA3003799.

ClinVar aggregate classification (germline): Uncertain significance. Review status: criteria provided, multiple submitters, no conflicts (2 of 4 stars). 2 submissions from 2 submitters: Uncertain significance (2). Last evaluated 2024-05-06.

Conditions:
Polycystic kidney disease 2 (PKD2). Also called: POLYCYSTIC KIDNEY DISEASE, ADULT, TYPE II; POLYCYSTIC KIDNEY DISEASE 2 WITH OR WITHOUT POLYCYSTIC LIVER DISEASE; Polycystic Kidney Disease 2, Autosomal Dominant. Identifiers: MedGen C2751306, MONDO:0013131, OMIM 613095.

Allele frequency attached by ClinVar (database versions not stated): gnomAD 0.00001; ExAC 0.00002; TOPMed 0.00002.
gnomAD v4.1: 8 of 1,613,784 alleles (0.0005%); highest among the groups gnomAD compares: South Asian, 0.0044%; 1 homozygote.

Submissions (2):

Fulgent Genetics
Classification: Uncertain significance for Polycystic kidney disease 2. Last evaluated: 2024-05-06. Review status: criteria provided, single submitter. Criteria: ACMG Guidelines, 2015. Collection method: clinical testing. Allele origin: germline.

GeneDx
Classification: Uncertain significance. Last evaluated: 2023-03-09. Review status: criteria provided, single submitter. Criteria: GeneDx Variant Classification Process June 2021. Collection method: clinical testing. Allele origin: germline. Affected: yes.
Comment: Reported in an individual with autosomal dominant polycystic kidney disease (Carrera et al., 2016); In silico analysis supports that this missense variant has a deleterious effect on protein structure/function; Not observed at significant frequency in large population cohorts (gnomAD); This variant is associated with the following publications: (PMID: 27499327)